The following is an entry in ClinVar:

ClinVar aggregate classification (germline): Uncertain significance. Review status: criteria provided, multiple submitters, no conflicts (2 of 4 stars). 2 submissions from 2 submitters: Uncertain significance (2). Last evaluated 2022-04-07.

Conditions:
Autosomal recessive limb-girdle muscular dystrophy type 2P. Also called: MUSCULAR DYSTROPHY-DYSTROGLYCANOPATHY, LIMB-GIRDLE, DAG1-RELATED; Limb-Girdle Muscular Dystrophy Type 9C; MUSCULAR DYSTROPHY, LIMB-GIRDLE, TYPE 2P. Identifiers: Orphanet 280333, MedGen C4511963, MONDO:0013440, OMIM 613818.
Muscular dystrophy-dystroglycanopathy (congenital with brain and eye anomalies), type A9. Also called: Muscular dystrophy-dystroglycanopathy (congenital with brain and eye anomalies), type a, 9; WALKER-WARBURG SYNDROME OR MUSCLE-EYE BRAIN DISEASE, DAG1-RELATED. Identifiers: Orphanet 370997, Orphanet 899, MedGen C4225291, MONDO:0014683, OMIM 616538.

Allele frequency attached by ClinVar (database versions not stated): ExAC 0.00001; TOPMed 0.00001; gnomAD exomes below 0.00001.
gnomAD v4.1: 30 of 1,614,122 alleles (0.0019%); highest among the groups gnomAD compares: Non-Finnish European, 0.0024%; no homozygotes.

Submissions (2):

Labcorp Genetics (formerly Invitae), Labcorp
Classification: Uncertain significance for Autosomal recessive limb-girdle muscular dystrophy type 2P; Muscular dystrophy-dystroglycanopathy (congenital with brain and eye anomalies), type A9. Last evaluated: 2022-04-07. Review status: criteria provided, single submitter. Criteria: Invitae Variant Classification Sherloc (09022015). Collection method: clinical testing. Allele origin: germline.
Comment: In summary, the available evidence is currently insufficient to determine the role of this variant in disease. Therefore, it has been classified as a Variant of Uncertain Significance. Algorithms developed to predict the effect of missense changes on protein structure and function (SIFT, PolyPhen-2, Align-GVGD) all suggest that this variant is likely to be tolerated. ClinVar contains an entry for this variant (Variation ID: 501930). This variant has not been reported in the literature in individuals affected with DAG1-related conditions. This variant is present in population databases (rs763108184, gnomAD 0.002%). This sequence change replaces histidine, which is basic and polar, with tyrosine, which is neutral and polar, at codon 129 of the DAG1 protein (p.His129Tyr).

Eurofins Ntd Llc (ga)
Classification: Uncertain significance. Last evaluated: 2017-05-09. Review status: criteria provided, single submitter. Criteria: EGL Classification Definitions 2015. Collection method: clinical testing. Allele origin: germline. Observed: 1 variant allele, 1 heterozygote.

NM_004393.6(DAG1):c.385C>T (p.His129Tyr)

Gene: DAG1 (dystroglycan 1; plus strand). Cytogenetic location: 3p21.31.
Variant type: single nucleotide variant.
Coding change: c.385C>T on transcript NM_004393.6 (MANE Select); coding-DNA position 385, C replaced by T.
Protein change: p.His129Tyr; replaces histidine 129 with tyrosine.
Molecular consequence: missense variant.
Genome position (GRCh38, 1-based): chr3:49,530,896, C>T. VCF-style: chr3-49530896-C-T. GRCh37 (hg19) VCF-style: chr3-49568329-C-T.
Other names: c.385C>T, p.His129Tyr (NM_001165928.4, NM_001177634.3, NM_001177635.3 and 9 more transcripts); short protein forms H129Y.
Identifiers: ClinVar variation 501930 (VCV000501930.8), dbSNP rs763108184, ClinGen allele CA2398894.